The following is an entry in ClinVar:

ClinVar aggregate classification (germline): Benign. Review status: criteria provided, multiple submitters, no conflicts (2 of 4 stars). 10 submissions from 9 submitters: Benign (8). 2 of the submissions do not count toward it. Last evaluated 2026-02-04.

Conditions:
Joubert syndrome 24 (JBTS24). Identifiers: Orphanet 475, MedGen C4084841, MONDO:0014724, OMIM 616654.
Joubert syndrome. Also called: Familial aplasia of the vermis; JOUBERT-BOLTSHAUSER SYNDROME. Identifiers: Orphanet 475, MedGen C5979921, MONDO:0018772.
Meckel-Gruber syndrome. Also called: Dysencephalia splachnocystica; GRUBER SYNDROME; DYSENCEPHALIA SPLANCHNOCYSTICA. Identifiers: Orphanet 564, MedGen C0265215, MONDO:0018921.
Meckel syndrome, type 8. Identifiers: Orphanet 564, MedGen C3836857, MONDO:0013482, OMIM 613885.

Allele frequency attached by ClinVar (database versions not stated): ExAC 0.42813; 1000 Genomes Project 0.44549; 1000 Genomes Project 30x 0.45518; gnomAD 0.49905 and 0.50815; TOPMed 0.50635; ESP Exome Variant Server 0.53629.

Submissions (10):

Labcorp Genetics (formerly Invitae), Labcorp
Classification: Benign for Joubert syndrome; Meckel-Gruber syndrome. Last evaluated: 2026-02-04. Review status: criteria provided, single submitter. Criteria: Invitae Variant Classification Sherloc (09022015). Collection method: clinical testing. Allele origin: germline.

Blueprint Genetics
Classification: Benign. Last evaluated: 2024-11-27. Review status: criteria provided, single submitter. Criteria: ACMG Guidelines, 2015. Collection method: clinical testing. Allele origin: germline.

Genome-Nilou Lab
Classification: Benign for Meckel syndrome, type 8. Last evaluated: 2021-07-15. Review status: criteria provided, single submitter. Criteria: ACMG Guidelines, 2015. Collection method: clinical testing. Allele origin: germline. Affected: no.

Genome-Nilou Lab
Classification: Benign for Joubert syndrome 24. Last evaluated: 2021-07-15. Review status: criteria provided, single submitter. Criteria: ACMG Guidelines, 2015. Collection method: clinical testing. Allele origin: germline. Affected: no.

GeneDx
Classification: Benign. Last evaluated: 2016-01-08. Review status: criteria provided, single submitter. Criteria: GeneDx Variant Classification (06012015). Collection method: clinical testing. Allele origin: germline. Affected: yes.
Comment: This variant is considered likely benign or benign based on one or more of the following criteria: it is a conservative change, it occurs at a poorly conserved position in the protein, it is predicted to be benign by multiple in silico algorithms, and/or has population frequency not consistent with disease.

Clinical Genetics DNA and cytogenetics Diagnostics Lab, Erasmus MC, Erasmus Medical Center
Classification: Benign for Meckel syndrome, type 8. Last evaluated: 2015-09-21. Review status: criteria provided, single submitter. Criteria: ACGS Guidelines, 2013. Collection method: clinical testing. Allele origin: germline. Affected: yes. Study: VKGL Data-share Consensus.

Breakthrough Genomics
Classification: Benign. Review status: criteria provided, single submitter. Criteria: ACMG Guidelines, 2015. Collection method: not provided. Allele origin: germline. Inheritance: Autosomal recessive inheritance. Affected: yes.

PreventionGenetics, part of Exact Sciences
Classification: Benign. Review status: criteria provided, single submitter. Criteria: ACMG Guidelines, 2015. Collection method: clinical testing. Allele origin: germline.

Diagnostic Laboratory, Department of Genetics, University Medical Center Groningen
Classification: Benign for Meckel syndrome, type 8. Review status: no assertion criteria provided. Collection method: clinical testing. Allele origin: germline. Affected: yes. Study: VKGL Data-share Consensus. Not counted in ClinVar's aggregate classification.

Genetic Services Laboratory, University of Chicago
Classification: Likely benign for AllHighlyPenetrant. Review status: no assertion criteria provided. Collection method: clinical testing. Allele origin: germline. Inheritance: Autosomal recessive inheritance. Observed: 1 variant allele. Not counted in ClinVar's aggregate classification.
Comment: Likely benign based on allele frequency in 1000 Genomes Project or ESP global frequency and its presence in a patient with a rare or unrelated disease phenotype. NOT Sanger confirmed.

NM_024809.5(TCTN2):c.1099+19T>C

Gene: TCTN2 (tectonic family member 2; plus strand). Cytogenetic location: 12q24.31.
Variant type: single nucleotide variant.
Coding change: c.1099+19T>C on transcript NM_024809.5 (MANE Select); 19 bases into the intron after coding-DNA position 1099, T replaced by C.
Molecular consequence: intron variant.
Genome position (GRCh38, 1-based): chr12:123,692,742, T>C. VCF-style: chr12-123692742-T-C. GRCh37 (hg19) VCF-style: chr12-124177289-T-C.
Other names: c.1096+19T>C (NM_001143850.3).
Identifiers: ClinVar variation 126282 (VCV000126282.21), dbSNP rs7137946, ClinGen allele CA150955.
Genomic context (GRCh38, chr12:123,692,742, plus strand): 5'-ATGAGGAAGCAACTGACCTAGACAAATTCATCACCAATACAGGTATTTAATGTTACACTT[T>C]GACGTCATTTCTTCAGAAACAGATATGTCATTTCTTACAAGTAATATATACCCTCAGAGT-3'